The following is an entry in ClinVar:

ClinVar aggregate classification (germline): Uncertain significance (1 of 4 stars; one submission).

Submission:

Labcorp Genetics (formerly Invitae), Labcorp
Classification: Uncertain significance. Last evaluated: 2025-11-28. Review status: criteria provided, single submitter. Criteria: Invitae Variant Classification Sherloc (09022015). Collection method: clinical testing. Allele origin: germline.
Comment: This sequence change replaces glutamine, which is neutral and polar, with lysine, which is basic and polar, at codon 1386 of the LAMB1 protein (p.Gln1386Lys). This variant is not present in population databases (gnomAD no frequency). This variant has not been reported in the literature in individuals affected with LAMB1-related conditions. An algorithm developed to predict the effect of missense changes on protein structure and function (PolyPhen-2) suggests that this variant is likely to be tolerated. In summary, the available evidence is currently insufficient to determine the role of this variant in disease. Therefore, it has been classified as a Variant of Uncertain Significance.

NM_002291.3(LAMB1):c.4156C>A (p.Gln1386Lys)

Gene: LAMB1 (laminin subunit beta 1; minus strand). Cytogenetic location: 7q31.1.
Variant type: single nucleotide variant.
Coding change: c.4156C>A on transcript NM_002291.3 (MANE Select); coding-DNA position 4156, C replaced by A.
Protein change: p.Gln1386Lys; replaces glutamine 1386 with lysine.
Molecular consequence: missense variant.
Genome position (GRCh38, 1-based): chr7:107,935,447, G>T on the plus strand (C>A on the coding strand, the complement: LAMB1 is on the minus strand). VCF-style: chr7-107935447-G-T. GRCh37 (hg19) VCF-style: chr7-107575892-G-T.
Other names: short protein forms Q1386K.
Identifiers: ClinVar variation 4770514 (VCV004770514.1).